The following is an entry in ClinVar:

ClinVar aggregate classification (germline): Pathogenic (1 of 4 stars; one submission).

Conditions:
Baller-Gerold syndrome (BGS). Also called: CRANIOSYNOSTOSIS WITH RADIAL DEFECTS. Identifiers: Orphanet 1225, MedGen C0265308, MONDO:0009039, OMIM 218600.

Allele frequency attached by ClinVar (database versions not stated): gnomAD exomes 0.00001.
gnomAD v4.1: 3 of 1,612,386 alleles (0.00019%); highest among the groups gnomAD compares: Admixed American, 0.0017%; no homozygotes.

Submission:

Labcorp Genetics (formerly Invitae), Labcorp
Classification: Pathogenic for Baller-Gerold syndrome. Last evaluated: 2017-10-30. Review status: criteria provided, single submitter. Criteria: Invitae Variant Classification Sherloc (09022015). Collection method: clinical testing. Allele origin: germline.
Comment: This sequence change creates a premature translational stop signal (p.Gln1050*) in the RECQL4 gene. It is expected to result in an absent or disrupted protein product. For these reasons, this variant has been classified as Pathogenic. Loss-of-function variants in RECQL4 are known to be pathogenic (PMID: 12734318, 12952869). This variant has not been reported in the literature in individuals with RECQL4-related disease. This variant is not present in population databases (ExAC no frequency).

Literature cited by the submitters: PubMed 12734318; PubMed 12952869.

NM_004260.4(RECQL4):c.3148C>T (p.Gln1050Ter)

Gene: RECQL4 (RecQ like helicase 4; minus strand). Cytogenetic location: 8q24.3.
Variant type: single nucleotide variant.
Coding change: c.3148C>T on transcript NM_004260.4 (MANE Select); coding-DNA position 3148, C replaced by T.
Protein change: p.Gln1050Ter; replaces glutamine 1050 with a stop codon.
Molecular consequence: nonsense.
Genome position (GRCh38, 1-based): chr8:144,512,232, G>A on the plus strand (C>T on the coding strand, the complement: RECQL4 is on the minus strand). VCF-style: chr8-144512232-G-A. GRCh37 (hg19) VCF-style: chr8-145737615-G-A.
Other names: short protein forms Q1050*.
Identifiers: ClinVar variation 529008 (VCV000529008.5), dbSNP rs1554896691, ClinGen allele CA372670256.